The following is an entry in ClinVar:

NM_017617.5(NOTCH1):c.5631C>A (p.Arg1877=)

Gene: NOTCH1 (notch receptor 1; minus strand). Cytogenetic location: 9q34.3.
Variant type: single nucleotide variant.
Coding change: c.5631C>A on transcript NM_017617.5 (MANE Select); coding-DNA position 5631, C replaced by A.
Protein change: p.Arg1877=; no amino-acid change (arginine 1877 retained).
Molecular consequence: synonymous variant.
Genome position (GRCh38, 1-based): chr9:136,501,755, G>T on the plus strand (C>A on the coding strand, the complement: NOTCH1 is on the minus strand). VCF-style: chr9-136501755-G-T. GRCh37 (hg19) VCF-style: chr9-139396207-G-T.
Identifiers: ClinVar variation 2659745 (VCV002659745.26), dbSNP rs35627681, ClinGen allele CA467832121.

ClinVar aggregate classification (germline): Likely benign. Review status: criteria provided, multiple submitters, no conflicts (2 of 4 stars). 2 submissions from 2 submitters: Likely benign (2). Last evaluated 2024-09-28.

Conditions:
Adams-Oliver syndrome 5 (AOS5). Identifiers: Orphanet 974, MedGen C4014970, MONDO:0014459, OMIM 616028.

gnomAD v4.1: 1 of 1,611,616 alleles (0.000062%); highest among the groups gnomAD compares: Non-Finnish European, 0.000085%; no homozygotes.

Submissions (2):

Labcorp Genetics (formerly Invitae), Labcorp
Classification: Likely benign for Adams-Oliver syndrome 5. Last evaluated: 2024-09-28. Review status: criteria provided, single submitter. Criteria: Invitae Variant Classification Sherloc (09022015). Collection method: clinical testing. Allele origin: germline.

CeGaT Center for Human Genetics Tuebingen
Classification: Likely benign. Last evaluated: 2022-10-01. Review status: criteria provided, single submitter. Criteria: CeGaT Center For Human Genetics Tuebingen Variant Classification Criteria Version 2. Collection method: clinical testing. Allele origin: germline. Affected: yes. Observed: 1 variant allele.
Comment: NOTCH1: PM2:Supporting, BP4, BP7